The following is an entry in ClinVar:

ClinVar aggregate classification (germline): Uncertain significance (1 of 4 stars; one submission).

gnomAD v4.1: 1 of 1,614,220 alleles (0.000062%); highest among the groups gnomAD compares: Non-Finnish European, 0.000085%; no homozygotes.

Submission:

Dasa
Classification: Uncertain significance. Last evaluated: 2025-11-25. Review status: criteria provided, single submitter. Criteria: DASA Assertion Criteria. Collection method: clinical testing. Allele origin: germline.
Comment: NM_015338.6(ASXL1):c.1264A>T (p.Arg422Trp) is a missense variant that results in the substitution of arginine with tryptophan. This variant is rare in population databases. The currently available literature and clinical evidence are not sufficient to establish a definitive association between this variant and the reported condition. Therefore, this variant is classified as a variant of uncertain significance.

NM_015338.6(ASXL1):c.1264A>T (p.Arg422Trp)

Gene: ASXL1 (ASXL transcriptional regulator 1; plus strand). Cytogenetic location: 20q11.21.
Variant type: single nucleotide variant.
Coding change: c.1264A>T on transcript NM_015338.6 (MANE Select); coding-DNA position 1264, A replaced by T.
Protein change: p.Arg422Trp; replaces arginine 422 with tryptophan.
Molecular consequence: missense variant.
Genome position (GRCh38, 1-based): chr20:32,433,462, A>T. VCF-style: chr20-32433462-A-T. GRCh37 (hg19) VCF-style: chr20-31021265-A-T.
Other names: c.1081A>T, p.Arg361Trp (NM_001363734.1); short protein forms R361W, R422W.
Identifiers: ClinVar variation 4886163 (VCV004886163.2).